The following is an entry in ClinVar:

NM_013372.7(GREM1):c.472T>A (p.Cys158Ser)

Gene: GREM1 (gremlin 1, DAN family BMP antagonist; plus strand). Cytogenetic location: 15q13.3.
Variant type: single nucleotide variant.
Coding change: c.472T>A on transcript NM_013372.7 (MANE Select); coding-DNA position 472, T replaced by A.
Protein change: p.Cys158Ser; replaces cysteine 158 with serine.
Molecular consequence: missense variant.
Genome position (GRCh38, 1-based): chr15:32,731,162, T>A. VCF-style: chr15-32731162-T-A. GRCh37 (hg19) VCF-style: chr15-33023363-T-A.
Other names: c.262T>A, p.Cys88Ser (NM_001191322.2); c.349T>A, p.Cys117Ser (NM_001191323.2); c.472T>A, p.Cys158Ser (NM_001368719.1); short protein forms C117S, C88S, C158S.
Identifiers: ClinVar variation 1742715 (VCV001742715.2), dbSNP rs2548708048, ClinGen allele CA391558032.

ClinVar aggregate classification (germline): Uncertain significance (1 of 4 stars; one submission).

Conditions:
Hereditary cancer-predisposing syndrome. Also called: Hereditary Cancer Syndrome; Hereditary neoplastic syndrome; Neoplastic Syndromes, Hereditary; Tumor predisposition. Identifiers: Orphanet 140162, MedGen C0027672, MeSH D009386, MONDO:0015356.

Submission:

Ambry Genetics
Classification: Uncertain significance for Hereditary cancer-predisposing syndrome. Last evaluated: 2022-01-30. Review status: criteria provided, single submitter. Criteria: Ambry Variant Classification Scheme 2023. Collection method: clinical testing. Allele origin: germline.
Comment: The p.C158S variant (also known as c.472T>A), located in coding exon 1 of the GREM1 gene, results from a T to A substitution at nucleotide position 472. The cysteine at codon 158 is replaced by serine, an amino acid with dissimilar properties. This amino acid position is conserved. In addition, this alteration is predicted to be deleterious by in silico analysis. Since supporting evidence is limited at this time, the clinical significance of this alteration remains unclear.